The following is an entry in ClinVar:

ClinVar aggregate classification (germline): Uncertain significance. Review status: criteria provided, multiple submitters, no conflicts (2 of 4 stars). 5 submissions from 4 submitters: Uncertain significance (5). Last evaluated 2025-08-07.

Conditions:
Inborn genetic diseases. Identifiers: MedGen C0950123, MeSH D030342.
Wagner disease. Also called: WAGNER VITREORETINAL DEGENERATION; WAGNER VITREORETINOPATHY; Wagner Vitreoretinal Degeneration (Wagner Synrdome); WAGNER SYNDROME 1; HYALOIDEORETINAL DEGENERATION OF WAGNER; Wagner syndrome. Identifiers: Orphanet 898, MedGen C1840452, MONDO:0007740, OMIM 143200.
Vitreoretinopathy. Also called: Vitreoretinal degeneration. Identifiers: MedGen C0344290, MONDO:0020248, HP:0007773.

Allele frequency attached by ClinVar (database versions not stated): gnomAD exomes below 0.00001 and 0.00005; gnomAD 0.00001; TOPMed 0.00001.
gnomAD v4.1: 78 of 1,613,890 alleles (0.0048%); highest among the groups gnomAD compares: East Asian, 0.17%; no homozygotes.

Submissions (5):

Ambry Genetics
Classification: Uncertain significance for Inborn genetic diseases. Last evaluated: 2025-08-07. Review status: criteria provided, single submitter. Criteria: Ambry Variant Classification Scheme 2023. Collection method: clinical testing. Allele origin: germline.

Labcorp Genetics (formerly Invitae), Labcorp
Classification: Uncertain significance. Last evaluated: 2024-11-05. Review status: criteria provided, single submitter. Criteria: Invitae Variant Classification Sherloc (09022015). Collection method: clinical testing. Allele origin: germline.
Comment: This sequence change replaces threonine, which is neutral and polar, with asparagine, which is neutral and polar, at codon 1602 of the VCAN protein (p.Thr1602Asn). This variant is present in population databases (no rsID available, gnomAD 0.006%). This variant has not been reported in the literature in individuals affected with VCAN-related conditions. ClinVar contains an entry for this variant (Variation ID: 904002). An algorithm developed to predict the effect of missense changes on protein structure and function (PolyPhen-2) suggests that this variant is likely to be disruptive. In summary, the available evidence is currently insufficient to determine the role of this variant in disease. Therefore, it has been classified as a Variant of Uncertain Significance.

GeneDx
Classification: Uncertain significance. Last evaluated: 2019-07-05. Review status: criteria provided, single submitter. Criteria: GeneDx Variant Classification Process June 2021. Collection method: clinical testing. Allele origin: germline. Affected: yes.
Comment: In silico analysis, which includes protein predictors and evolutionary conservation, supports that this variant does not alter protein structure/function; Has not been previously published as pathogenic or benign to our knowledge

Illumina Laboratory Services, Illumina
Classification: Uncertain significance for Wagner disease. Last evaluated: 2018-01-13. Review status: criteria provided, single submitter. Criteria: ICSL Variant Classification Criteria 13 December 2019. Collection method: clinical testing. Allele origin: germline.

Illumina Laboratory Services, Illumina
Classification: Uncertain significance for Vitreoretinopathy. Last evaluated: 2018-01-13. Review status: criteria provided, single submitter. Criteria: ICSL Variant Classification Criteria 13 December 2019. Collection method: clinical testing. Allele origin: germline.

NM_004385.5(VCAN):c.4805C>A (p.Thr1602Asn)

Genes: VCAN (versican; plus strand), VCAN-AS1 (VCAN antisense RNA 1; minus strand). Cytogenetic location: 5q14.3.
Variant type: single nucleotide variant.
Coding change: c.4805C>A on transcript NM_004385.5 (MANE Select); coding-DNA position 4805, C replaced by A.
Protein change: p.Thr1602Asn; replaces threonine 1602 with asparagine.
Molecular consequence: missense variant. On other transcripts: intron variant (2).
Genome position (GRCh38, 1-based): chr5:83,537,808, C>A. VCF-style: chr5-83537808-C-A. GRCh37 (hg19) VCF-style: chr5-82833627-C-A.
Other names: c.1844C>A, p.Thr615Asn (NM_001164097.2); c.4004-7729C>A (NM_001164098.2); c.1043-7729C>A (NM_001126336.3); short protein forms T1602N, T615N.
Identifiers: ClinVar variation 904002 (VCV000904002.14), dbSNP rs1386946213, ClinGen allele CA360309038.